The following is an entry in ClinVar:

NM_004380.3(CREBBP):c.1730T>C (p.Ile577Thr)

Genes: CREBBP (CREB binding lysine acetyltransferase; minus strand), LOC130058353 (ATAC-STARR-seq lymphoblastoid active region 10333; plus strand). Cytogenetic location: 16p13.3.
Variant type: single nucleotide variant.
Coding change: c.1730T>C on transcript NM_004380.3 (MANE Select); coding-DNA position 1730, T replaced by C.
Protein change: p.Ile577Thr; replaces isoleucine 577 with threonine.
Molecular consequence: missense variant.
Genome position (GRCh38, 1-based): chr16:3,780,825, A>G on the plus strand (T>C on the coding strand, the complement: CREBBP is on the minus strand). VCF-style: chr16-3780825-A-G. GRCh37 (hg19) VCF-style: chr16-3830826-A-G.
Other names: c.1616T>C, p.Ile539Thr (NM_001079846.1); short protein forms I539T, I577T.
Identifiers: ClinVar variation 3054326 (VCV003054326.3), dbSNP rs749101054, ClinGen allele CA7870368.

ClinVar aggregate classification (germline): Uncertain significance. Review status: criteria provided, single submitter (1 of 4 stars). 2 submissions from 2 submitters: Uncertain significance (1). 1 of the submissions does not count toward it. Last evaluated 2025-10-06.

Conditions:
Inborn genetic diseases. Identifiers: MedGen C0950123, MeSH D030342.
CREBBP-related disorder. Also called: CREBBP-related disorders; CREBBP-related condition.

Allele frequency attached by ClinVar (database versions not stated): gnomAD exomes below 0.00001; ExAC 0.00001.
gnomAD v4.1: 2 of 1,613,894 alleles (0.00012%); highest among the groups gnomAD compares: South Asian, 0.0011%; no homozygotes.

Submissions (2):

Ambry Genetics
Classification: Uncertain significance for Inborn genetic diseases. Last evaluated: 2025-10-06. Review status: criteria provided, single submitter. Criteria: Ambry Variant Classification Scheme 2023. Collection method: clinical testing. Allele origin: germline.

PreventionGenetics, part of Exact Sciences
Classification: Uncertain significance for CREBBP-related condition. Last evaluated: 2023-11-22. Review status: no assertion criteria provided. Collection method: clinical testing. Allele origin: germline. Not counted in ClinVar's aggregate classification.
Comment: The CREBBP c.1730T>C variant is predicted to result in the amino acid substitution p.Ile577Thr. To our knowledge, this variant has not been reported in the literature. This variant is reported in 0.0054% of alleles in individuals of East Asian descent in gnomAD. At this time, the clinical significance of this variant is uncertain due to the absence of conclusive functional and genetic evidence.